The following is an entry in ClinVar:

ClinVar aggregate classification (germline): Pathogenic. Review status: criteria provided, multiple submitters, no conflicts (2 of 4 stars). 4 submissions from 4 submitters: Pathogenic (3). 1 of the submissions does not count toward it. Last evaluated 2026-07-09.

Conditions:
Hereditary cancer-predisposing syndrome. Also called: Tumor predisposition; Hereditary Cancer Syndrome; Hereditary neoplastic syndrome; Neoplastic Syndromes, Hereditary. Identifiers: Orphanet 140162, MedGen C0027672, MeSH D009386, MONDO:0015356.
Multiple endocrine neoplasia, type 1 (MEN1). Also called: MEA I; WERMER SYNDROME; MEN I; Endocrine adenomatosis multiple; MEN 1. Identifiers: Orphanet 652, MedGen C0025267, MeSH D018761, MONDO:0007540, OMIM 131100.

Submissions (4):

Ambry Genetics
Classification: Pathogenic for Hereditary cancer-predisposing syndrome. Last evaluated: 2026-07-09. Review status: criteria provided, single submitter. Criteria: Ambry Variant Classification Scheme 2023. Collection method: clinical testing. Allele origin: germline.
Comment: The p.W436* pathogenic mutation (also known as c.1307G>A), located in coding exon 8 of the MEN1 gene, results from a G to A substitution at nucleotide position 1307. This changes the amino acid from a tryptophan to a stop codon within coding exon 8. This variant was reported in individual(s) with features consistent with Multiple endocrine neoplasia type 1 (Schaaf L et al. Exp Clin Endocrinol Diabetes, 2007 Sep;115:509-17; Mayr B et al. J Clin Endocrinol Metab, 1998 Aug;83:3004-5; Ambry internal data). This variant occurs at the 3' terminus of the gene, is not expected to trigger nonsense-mediated mRNA decay, and impacts the last 28% of the protein. However, premature stop codons are typically deleterious in nature, the impacted region is critical for protein function, and a significant portion of the protein is affected (Ambry internal data). This variant is considered to be rare based on population cohorts in the Genome Aggregation Database (gnomAD). As such, this alteration is interpreted as a disease-causing mutation.

Labcorp Genetics (formerly Invitae), Labcorp
Classification: Pathogenic for Multiple endocrine neoplasia, type 1. Last evaluated: 2019-12-11. Review status: criteria provided, single submitter. Criteria: Invitae Variant Classification Sherloc (09022015). Collection method: clinical testing. Allele origin: germline.
Comment: For these reasons, this variant has been classified as Pathogenic. This variant disrupts the C-terminus of the MEN1 protein. Other variant(s) that disrupt this region (p.Thr580Argfs*8) have been determined to be pathogenic (PMID: 15331604, 16449969, Invitae). This suggests that variants that disrupt this region of the protein are likely to be causative of disease. Algorithms developed to predict the effect of sequence changes on RNA splicing suggest that this variant may create or strengthen a splice site, but this prediction has not been confirmed by published transcriptional studies. This variant has been observed in individual(s) with multiple endocrine neoplasia type 1 (PMID: 9103196). ClinVar contains an entry for this variant (Variation ID: 16687). This variant is not present in population databases (ExAC no frequency). This sequence change results in a premature translational stop signal in the MEN1 gene (p.Trp436*). While this is not anticipated to result in nonsense mediated decay, it is expected to disrupt the last 175 amino acids of the MEN1 protein.

GeneDx
Classification: Pathogenic. Last evaluated: 2017-09-06. Review status: criteria provided, single submitter. Criteria: GeneDx Variant Classification (06012015). Collection method: clinical testing. Allele origin: germline. Affected: yes.
Comment: This variant is denoted MEN1 c.1307G>A at the cDNA level and p.Trp436Ter (W436X) at the proteinlevel. The substitution creates a nonsense variant, which changes a Tryptophan to a premature stop codon(TGG>TAG), and is predicted to cause loss of normal protein function through protein truncation. This variant has beenreported several individuals with a personal and family history of multiple endocrine neoplasia type 1(Chandrasekharappa 1997, Mayr 1998, Schaaf 2007) and is considered pathogenic

OMIM
Classification: Pathogenic for MULTIPLE ENDOCRINE NEOPLASIA, TYPE I. Last evaluated: 1997-04-18. Review status: no assertion criteria provided. Collection method: literature only. Allele origin: germline. Not counted in ClinVar's aggregate classification.

Literature cited by the submitters: PubMed 17853334 (cited by Ambry Genetics); PubMed 9709985 (cited by Ambry Genetics); PubMed 15331604 (cited by Labcorp Genetics (formerly Invitae), Labcorp); PubMed 16449969 (cited by Labcorp Genetics (formerly Invitae), Labcorp); PubMed 9103196 (cited by Labcorp Genetics (formerly Invitae), Labcorp and OMIM).

NM_001370259.2(MEN1):c.1307G>A (p.Trp436Ter)

Gene: MEN1 (menin 1; minus strand). Cytogenetic location: 11q13.1.
Variant type: single nucleotide variant.
Coding change: c.1307G>A on transcript NM_001370259.2 (MANE Select); coding-DNA position 1307, G replaced by A.
Protein change: p.Trp436Ter; replaces tryptophan 436 with a stop codon.
Molecular consequence: nonsense.
Genome position (GRCh38, 1-based): chr11:64,805,077, C>T on the plus strand (G>A on the coding strand, the complement: MEN1 is on the minus strand). VCF-style: chr11-64805077-C-T. GRCh37 (hg19) VCF-style: chr11-64572549-C-T.
Other names: c.1322G>A, p.Trp441Ter (NM_000244.4, NM_130800.3, NM_130801.3 and 3 more transcripts); c.1433G>A, p.Trp478Ter (NM_001370251.2); c.1307G>A, p.Trp436Ter (NM_001370260.2, NM_001370261.2, NM_130799.3); c.1202G>A, p.Trp401Ter (NM_001370262.2, NM_001370263.2); short protein forms W436*, W441*, W478*, W401*.
Identifiers: ClinVar variation 16687 (VCV000016687.12), dbSNP rs104894260, ClinGen allele CA009122.